The following is an entry in ClinVar:

ClinVar aggregate classification (germline): Uncertain significance (1 of 4 stars; one submission).

Allele frequency attached by ClinVar (database versions not stated): gnomAD exomes below 0.00001; ExAC 0.00001.
gnomAD v4.1: 1 of 1,614,092 alleles (0.000062%); highest among the groups gnomAD compares: Non-Finnish European, 0.000085%; no homozygotes.

Submission:

Labcorp Genetics (formerly Invitae), Labcorp
Classification: Uncertain significance. Last evaluated: 2021-10-22. Review status: criteria provided, single submitter. Criteria: Invitae Variant Classification Sherloc (09022015). Collection method: clinical testing. Allele origin: germline.
Comment: This sequence change replaces lysine with glutamic acid at codon 394 of the PDE6A protein (p.Lys394Glu). The lysine residue is highly conserved and there is a small physicochemical difference between lysine and glutamic acid. This variant is present in population databases (rs771017122, ExAC 0.001%). This variant has not been reported in the literature in individuals affected with PDE6A-related conditions. Algorithms developed to predict the effect of missense changes on protein structure and function are either unavailable or do not agree on the potential impact of this missense change (SIFT: "Tolerated"; PolyPhen-2: "Probably Damaging"; Align-GVGD: "Class C0"). In summary, the available evidence is currently insufficient to determine the role of this variant in disease. Therefore, it has been classified as a Variant of Uncertain Significance.

NM_000440.3(PDE6A):c.1180A>G (p.Lys394Glu)

Gene: PDE6A (phosphodiesterase 6A; minus strand). Cytogenetic location: 5q32.
Variant type: single nucleotide variant.
Coding change: c.1180A>G on transcript NM_000440.3 (MANE Select); coding-DNA position 1180, A replaced by G.
Protein change: p.Lys394Glu; replaces lysine 394 with glutamic acid.
Molecular consequence: missense variant.
Genome position (GRCh38, 1-based): chr5:149,899,458, T>C on the plus strand (A>G on the coding strand, the complement: PDE6A is on the minus strand). VCF-style: chr5-149899458-T-C. GRCh37 (hg19) VCF-style: chr5-149279021-T-C.
Other names: short protein forms K394E.
Identifiers: ClinVar variation 1448422 (VCV001448422.6), dbSNP rs771017122, ClinGen allele CA3504764.